The following is an entry in ClinVar:

NM_000093.5(COL5A1):c.2057C>T (p.Pro686Leu)

Gene: COL5A1 (collagen type V alpha 1 chain; plus strand). Cytogenetic location: 9q34.3.
Variant type: single nucleotide variant.
Coding change: c.2057C>T on transcript NM_000093.5 (MANE Select); coding-DNA position 2057, C replaced by T.
Protein change: p.Pro686Leu; replaces proline 686 with leucine.
Molecular consequence: missense variant.
Genome position (GRCh38, 1-based): chr9:134,765,703, C>T. VCF-style: chr9-134765703-C-T. GRCh37 (hg19) VCF-style: chr9-137657549-C-T.
Other names: c.2057C>T, p.Pro686Leu (NM_001278074.1); c.2057C>T (NM_000093.3); short protein forms P686L.
Identifiers: ClinVar variation 1374336 (VCV001374336.8), dbSNP rs775102627, ClinGen allele CA5319136.

ClinVar aggregate classification (germline): Conflicting classifications of pathogenicity. Review status: criteria provided, conflicting classifications (1 of 4 stars). 3 submissions from 3 submitters: Uncertain significance (2); Benign (1). Last evaluated 2025-07-21.

Conditions:
Ehlers-Danlos syndrome, classic type, 1 (EDSCL1). Also called: EHLERS-DANLOS SYNDROME, GRAVIS TYPE; EHLERS-DANLOS SYNDROME, SEVERE CLASSIC TYPE; Ehlers-Danlos syndrome, type 1; EDS I; Ehlers-Danlos Syndrome, Classic Type, COL5A1-Related. Identifiers: MedGen C0268335, MONDO:0019567, OMIM 130000.
Familial thoracic aortic aneurysm and aortic dissection (TAAD). Also called: Thoracic aortic aneurysms and dissections. Identifiers: Orphanet 91387, MedGen C4707243, MONDO:0019625.

Allele frequency attached by ClinVar (database versions not stated): gnomAD exomes 0.00001; TOPMed 0.00001; ExAC 0.00001.
gnomAD v4.1: 9 of 1,613,642 alleles (0.00056%); highest among the groups gnomAD compares: African/African-American, 0.0027%; no homozygotes.

Submissions (3):

Women's Health and Genetics/Laboratory Corporation of America, LabCorp
Classification: Uncertain significance. Last evaluated: 2025-07-21. Review status: criteria provided, single submitter. Criteria: LabCorp Variant Classification Summary - May 2015. Collection method: clinical testing. Allele origin: germline.
Comment: Variant summary: COL5A1 c.2057C>T (p.Pro686Leu) results in a non-conservative amino acid change in the encoded protein sequence. Algorithms developed to predict the effect of missense changes on protein structure and function are either unavailable or do not agree on the potential impact of this missense change. The variant allele was found at a frequency of 8e-06 in 250860 control chromosomes. The available data on variant occurrences in the general population are insufficient to allow any conclusion about variant significance. To our knowledge, no occurrence of c.2057C>T in individuals affected with Ehlers-Danlos syndrome, classic type 1 and no experimental evidence demonstrating its impact on protein function have been reported. ClinVar contains an entry for this variant (Variation ID: 1374336). Based on the evidence outlined above, the variant was classified as uncertain significance.

Labcorp Genetics (formerly Invitae), Labcorp
Classification: Benign for Ehlers-Danlos syndrome, classic type, 1. Last evaluated: 2025-06-13. Review status: criteria provided, single submitter. Criteria: Invitae Variant Classification Sherloc (09022015). Collection method: clinical testing. Allele origin: germline.

Ambry Genetics
Classification: Uncertain significance for Familial thoracic aortic aneurysm and aortic dissection. Last evaluated: 2024-10-15. Review status: criteria provided, single submitter. Criteria: Ambry Variant Classification Scheme 2023. Collection method: clinical testing. Allele origin: germline.
Comment: The p.P686L variant (also known as c.2057C>T), located in coding exon 21 of the COL5A1 gene, results from a C to T substitution at nucleotide position 2057. The proline at codon 686 is replaced by leucine, an amino acid with similar properties. This amino acid position is highly conserved in available vertebrate species. In addition, the in silico prediction for this alteration is inconclusive. Based on the available evidence, the clinical significance of this variant remains unclear.